The following is an entry in ClinVar:

NM_007103.4(NDUFV1):c.1056T>C (p.Ala352=)

Gene: NDUFV1 (NADH:ubiquinone oxidoreductase core subunit V1; plus strand). Cytogenetic location: 11q13.2.
Variant type: single nucleotide variant.
Coding change: c.1056T>C on transcript NM_007103.4 (MANE Select); coding-DNA position 1056, T replaced by C.
Protein change: p.Ala352=; no amino-acid change (alanine 352 retained).
Molecular consequence: synonymous variant.
Genome position (GRCh38, 1-based): chr11:67,611,545, T>C. VCF-style: chr11-67611545-T-C. GRCh37 (hg19) VCF-style: chr11-67379016-T-C.
Other names: p.A352A:GCT>GCC; c.1029T>C, p.Ala343= (NM_001166102.2).
Identifiers: ClinVar variation 138502 (VCV000138502.18), dbSNP rs11227859, ClinGen allele CA292519.

ClinVar aggregate classification (germline): Benign. Review status: criteria provided, multiple submitters, no conflicts (2 of 4 stars). 6 submissions from 5 submitters: Benign (5). 1 of the submissions does not count toward it. Last evaluated 2026-02-02.

Conditions:
Mitochondrial complex I deficiency, nuclear type 1. Also called: NADH-COENZYME Q REDUCTASE DEFICIENCY; MITOCHONDRIAL NADH DEHYDROGENASE COMPONENT OF COMPLEX I, DEFICIENCY OF. Identifiers: MedGen C6022305, MONDO:0100224, OMIM 252010.
Leigh syndrome (NULS). Also called: Leigh Disease; Leigh Syndrome (mtDNA deletion); Subacute necrotizing encephalopathy; Necrotizing encephalopathy infantile subacute of Leigh; Leigh's necrotizing encephalopathy; Leigh's disease. Identifiers: Orphanet 506, MedGen C2931891, MONDO:0009723, OMIM 256000.

Allele frequency attached by ClinVar (database versions not stated): gnomAD exomes 0.00460 and 0.01182; ExAC 0.01849; gnomAD 0.04747 and 0.05117; ESP Exome Variant Server 0.05043; TOPMed 0.05256; 1000 Genomes Project 0.05351; 1000 Genomes Project 30x 0.05871.
gnomAD v4.1: 14,179 of 1,609,792 alleles (0.88%); highest among the groups gnomAD compares: African/African-American, 17%; 1,083 homozygotes.

Submissions (6):

Labcorp Genetics (formerly Invitae), Labcorp
Classification: Benign. Last evaluated: 2026-02-02. Review status: criteria provided, single submitter. Criteria: Invitae Variant Classification Sherloc (09022015). Collection method: clinical testing. Allele origin: germline.

Illumina Laboratory Services, Illumina
Classification: Benign for Leigh syndrome. Last evaluated: 2018-01-13. Review status: criteria provided, single submitter. Criteria: ICSL Variant Classification Criteria 13 December 2019. Collection method: clinical testing. Allele origin: germline.
Comment: This variant was observed in the ICSL laboratory as part of a predisposition screen in an ostensibly healthy population. It had not been previously curated by ICSL or reported in the Human Gene Mutation Database (HGMD: prior to June 1st, 2018), and was therefore a candidate for classification through an automated scoring system. Utilizing variant allele frequency, disease prevalence and penetrance estimates, and inheritance mode, an automated score was calculated to assess if this variant is too frequent to cause the disease. Based on the score and internal cut-off values, a variant classified as benign is not then subjected to further curation. The score for this variant resulted in a classification of benign for this disease.

Illumina Laboratory Services, Illumina
Classification: Benign for Mitochondrial complex I deficiency, nuclear type 1. Last evaluated: 2018-01-13. Review status: criteria provided, single submitter. Criteria: ICSL Variant Classification Criteria 13 December 2019. Collection method: clinical testing. Allele origin: germline.
Comment: the same text as in the submission from Illumina Laboratory Services, Illumina above.

GeneDx
Classification: Benign. Last evaluated: 2012-09-05. Review status: criteria provided, single submitter. Criteria: GeneDx Variant Classification (06012015). Collection method: clinical testing. Allele origin: germline. Affected: yes.
Comment: This variant is considered likely benign or benign based on one or more of the following criteria: it is a conservative change, it occurs at a poorly conserved position in the protein, it is predicted to be benign by multiple in silico algorithms, and/or has population frequency not consistent with disease.

Breakthrough Genomics
Classification: Benign. Review status: criteria provided, single submitter. Criteria: ACMG Guidelines, 2015. Collection method: not provided. Allele origin: germline. Inheritance: Autosomal recessive inheritance. Affected: yes.

Mayo Clinic Laboratories, Mayo Clinic
Classification: Benign. Last evaluated: 2016-02-29. Review status: no assertion criteria provided. Collection method: clinical testing. Allele origin: unknown. Not counted in ClinVar's aggregate classification.